The following is an entry in ClinVar:

NM_001297.5(CNGB1):c.165dup (p.Glu56fs)

Gene: CNGB1 (cyclic nucleotide gated channel subunit beta 1; minus strand). Cytogenetic location: 16q21.
Variant type: Duplication.
Coding change: c.165dup on transcript NM_001297.5 (MANE Select); coding-DNA position 165, one base duplicated (C; older notation c.165dupC).
Protein change: p.Glu56fs; shifts the reading frame from glutamic acid 56.
Molecular consequence: frameshift variant.
Genome position (GRCh38, 1-based): chr16:57,964,539, G duplicated on the plus strand (C on the coding strand, the reverse complement: CNGB1 is on the minus strand); the first of 6 consecutive G bases (chr16:57,964,539-57,964,544); duplicating any one gives the same sequence. VCF-style (leftmost placement, unchanged base first): chr16-57964538-C-CG. GRCh37 (hg19) VCF-style: chr16-57998442-C-CG.
Other names: c.165dupC (NM_001297.4); c.165dup, p.Glu56fs (NM_001135639.2, NM_001286130.2); short protein forms E56fs.
Identifiers: ClinVar variation 1906481 (VCV001906481.6), dbSNP rs772049858, ClinGen allele CA8083967.

ClinVar aggregate classification (germline): Pathogenic/Likely pathogenic. Review status: criteria provided, multiple submitters, no conflicts (2 of 4 stars). 2 submissions from 2 submitters: Pathogenic (1); Likely pathogenic (1). Last evaluated 2025-02-25.

Conditions:
CNGB1-related disorder. Also called: CNGB1-related condition.

Submissions (2):

PreventionGenetics, part of Exact Sciences
Classification: Likely pathogenic for CNGB1-related condition. Last evaluated: 2025-02-25. Review status: criteria provided, single submitter. Criteria: ACMG Guidelines, 2015. Collection method: clinical testing. Allele origin: germline.
Comment: The CNGB1 c.165dupC variant is predicted to result in a frameshift and premature protein termination (p.Glu56Argfs*36). To our knowledge, this variant has not been previously reported in the literature. This variant is also absent from one large public population database (gnomAD), indicating that this variant is rare in the general population. Frameshift variants in CNGB1 are expected to be pathogenic. This variant is interpreted as likely pathogenic.

Labcorp Genetics (formerly Invitae), Labcorp
Classification: Pathogenic. Last evaluated: 2024-08-12. Review status: criteria provided, single submitter. Criteria: Invitae Variant Classification Sherloc (09022015). Collection method: clinical testing. Allele origin: germline.
Comment: This sequence change creates a premature translational stop signal (p.Glu56Argfs*36) in the CNGB1 gene. It is expected to result in an absent or disrupted protein product. Loss-of-function variants in CNGB1 are known to be pathogenic (PMID: 15557452, 24043777). This variant is not present in population databases (gnomAD no frequency). This variant has not been reported in the literature in individuals affected with CNGB1-related conditions. ClinVar contains an entry for this variant (Variation ID: 1906481). For these reasons, this variant has been classified as Pathogenic.

Literature cited by the submitters: PubMed 15557452 (cited by Labcorp Genetics (formerly Invitae), Labcorp); PubMed 24043777 (cited by Labcorp Genetics (formerly Invitae), Labcorp).